The following is an entry in ClinVar:

NM_003482.4(KMT2D):c.15543G>A (p.Gly5181=)

Gene: KMT2D (lysine methyltransferase 2D; minus strand). Cytogenetic location: 12q13.12.
Variant type: single nucleotide variant.
Coding change: c.15543G>A on transcript NM_003482.4 (MANE Select); coding-DNA position 15543, G replaced by A.
Protein change: p.Gly5181=; no amino-acid change (glycine 5181 retained).
Molecular consequence: synonymous variant.
Genome position (GRCh38, 1-based): chr12:49,026,423, C>T on the plus strand (G>A on the coding strand, the complement: KMT2D is on the minus strand). VCF-style: chr12-49026423-C-T. GRCh37 (hg19) VCF-style: chr12-49420206-C-T.
Identifiers: ClinVar variation 4998598 (VCV004998598.1).

ClinVar aggregate classification (germline): Likely benign (1 of 4 stars; one submission).

Conditions:
KMT2D-related disorder. Also called: KMT2D-Related Disorders.

Submission:

PreventionGenetics, part of Exact Sciences
Classification: Likely benign for KMT2D-related condition. Last evaluated: 2025-01-05. Review status: criteria provided, single submitter. Criteria: ACMG Guidelines, 2015. Collection method: clinical testing. Allele origin: germline.
Comment: This variant is classified as likely benign based on ACMG/AMP sequence variant interpretation guidelines (Richards et al. 2015 PMID: 25741868, with internal and published modifications).